The following is an entry in ClinVar:

NM_024426.6(WT1):c.579G>A (p.Ala193=)

Genes: WT1 (WT1 transcription factor; minus strand), LOC107982234 (WT1/WT1-AS bi-directional promoter region; plus strand). Cytogenetic location: 11p13.
Variant type: single nucleotide variant.
Coding change: c.579G>A on transcript NM_024426.6 (MANE Select); coding-DNA position 579, G replaced by A.
Protein change: p.Ala193=; no amino-acid change (alanine 193 retained).
Molecular consequence: synonymous variant. On other transcripts: non-coding transcript variant (1).
Genome position (GRCh38, 1-based): chr11:32,434,782, C>T on the plus strand (G>A on the coding strand, the complement: WT1 is on the minus strand). VCF-style: chr11-32434782-C-T. GRCh37 (hg19) VCF-style: chr11-32456328-C-T.
Other names: c.579G>A, p.Ala193= (NM_000378.6, NM_024424.5); c.564G>A (NM_024426.4).
Identifiers: ClinVar variation 1562460 (VCV001562460.18), dbSNP rs2133101885, ClinGen allele CA473571358.

ClinVar aggregate classification (germline): Likely benign. Review status: criteria provided, multiple submitters, no conflicts (2 of 4 stars). 4 submissions from 4 submitters: Likely benign (4). Last evaluated 2025-08-01.

Conditions:
Wilms tumor 1 (WT1). Also called: Wilms tumor, somatic. Identifiers: Orphanet 654, MedGen CN033288, MONDO:0008679, OMIM 194070.
Frasier syndrome. Identifiers: Orphanet 347, MedGen C0950122, MeSH D052159, MONDO:0007635, OMIM 136680.
Drash syndrome (DDS). Also called: NEPHROPATHY, WILMS TUMOR, AND GENITAL ANOMALIES; WILMS TUMOR AND PSEUDO- OR TRUE HERMAPHRODITISM. Identifiers: Orphanet 220, MedGen C0950121, MONDO:0008682, OMIM 194080.
11p partial monosomy syndrome (WAGR). Also called: WAGR Spectrum Disorder; WAGR Complex; CHROMOSOME 11p13 DELETION SYNDROME; WAGR syndrome. Identifiers: Orphanet 893, MedGen C0206115, MONDO:0008681, OMIM 194072.
Inborn genetic diseases. Identifiers: MedGen C0950123, MeSH D030342.

Submissions (4):

CeGaT Center for Human Genetics Tuebingen
Classification: Likely benign. Last evaluated: 2025-08-01. Review status: criteria provided, single submitter. Criteria: CeGaT Center For Human Genetics Tuebingen Variant Classification Criteria Version 2. Collection method: clinical testing. Allele origin: germline. Affected: yes. Observed: 1 variant allele.
Comment: WT1: PM2:Supporting, BP4, BP7

Ambry Genetics
Classification: Likely benign for Inborn genetic diseases. Last evaluated: 2025-02-02. Review status: criteria provided, single submitter. Criteria: Ambry Variant Classification Scheme 2023. Collection method: clinical testing. Allele origin: germline.

Labcorp Genetics (formerly Invitae), Labcorp
Classification: Likely benign for Wilms tumor 1; Drash syndrome; 11p partial monosomy syndrome; Frasier syndrome. Last evaluated: 2024-01-28. Review status: criteria provided, single submitter. Criteria: Invitae Variant Classification Sherloc (09022015). Collection method: clinical testing. Allele origin: germline.

All of Us Research Program, National Institutes of Health
Classification: Likely benign for Wilms tumor 1. Last evaluated: 2023-03-07. Review status: criteria provided, single submitter. Criteria: ACMG Guidelines, 2015. Collection method: clinical testing. Allele origin: germline. Inheritance: Autosomal dominant inheritance. Observed: 1 variant allele, 1 heterozygote.
Comment: This study involves interpretation of variants in research participants for the purpose of population health screening. Participant phenotype was not available at the time of variant classification. Additional details can be found in publication PMID: 35346344, PMCID: PMC8962531